The following is an entry in ClinVar:

ClinVar aggregate classification (germline): Uncertain significance (1 of 4 stars; one submission).

Conditions:
Osteogenesis imperfecta type 10 (OI10). Also called: OI, TYPE X. Identifiers: Orphanet 666, MedGen C3151211, MONDO:0013459, OMIM 613848.
Preterm premature rupture of membranes (PPROM). Also called: Preterm premature rupture of the membranes. Identifiers: MedGen C0729264, MONDO:0012511, OMIM 610504, HP:6000310.

gnomAD v4.1: 1 of 1,593,826 alleles (0.000063%); highest among the groups gnomAD compares: East Asian, 0.0023%; no homozygotes.

Submission:

Juno Genomics, Hangzhou Juno Genomics, Inc
Classification: Uncertain significance for Preterm premature rupture of membranes; Osteogenesis imperfecta type 10. Review status: criteria provided, single submitter. Criteria: ACMG Guidelines, 2015. Collection method: clinical testing. Allele origin: germline.
Comment: Absent from controls (or at extremely low frequency if recessive) in Genome Aggregation Database.;Multiple lines of computational evidence support a deleterious effect on the gene or gene product.

NM_001235.5(SERPINH1):c.-34-3C>G

Gene: SERPINH1 (serpin family H member 1; plus strand). Cytogenetic location: 11q13.5.
Variant type: single nucleotide variant.
Coding change: c.-34-3C>G on transcript NM_001235.5 (MANE Select); 3 bases into the intron before 34 bases upstream of the start codon, C replaced by G.
Molecular consequence: intron variant.
Genome position (GRCh38, 1-based): chr11:75,566,313, C>G. VCF-style: chr11-75566313-C-G. GRCh37 (hg19) VCF-style: chr11-75277358-C-G.
Other names: c.-34-3C>G (NM_001440317.1, NM_001440316.1, NM_001440314.1 and 5 more transcripts).
Identifiers: ClinVar variation 5004983 (VCV005004983.2).
Genomic context (GRCh38, chr11:75,566,313, plus strand): 5'-GGGTGGTTGTTGGGGAGGAAGGCCTTGGGCTTCAAGACCACCCTGTCTGTGCAATCCTCA[C>G]AGGCCCACCGTGGTGCACGCAAACCACTTCCTGGCCATGCGCTCCCTCCTGCTTCTCAGC-3'